The following is an entry in ClinVar:

ClinVar aggregate classification (germline): Uncertain significance (1 of 4 stars; one submission).

gnomAD v4.1: 340 of 1,614,012 alleles (0.021%); highest among the groups gnomAD compares: East Asian, 0.74%; 1 homozygote.

Submission:

GeneDx
Classification: Uncertain significance. Last evaluated: 2026-04-14. Review status: criteria provided, single submitter. Criteria: GeneDx Variant Classification Process June 2021. Collection method: clinical testing. Allele origin: germline.
Comment: In silico analysis supports that this missense variant has a deleterious effect on protein structure/function; Has not been previously published as pathogenic or benign to our knowledge

NM_003366.4(UQCRC2):c.1145A>G (p.Tyr382Cys)

Genes: PDZD9 (PDZ domain containing 9), UQCRC2 (ubiquinol-cytochrome c reductase core protein 2). Cytogenetic location: 16p12.2.
Variant type: single nucleotide variant.
Coding change: c.1145A>G on transcript NM_003366.4 (MANE Select); coding-DNA position 1145, A replaced by G.
Protein change: p.Tyr382Cys; replaces tyrosine 382 with cysteine.
Molecular consequence: missense variant.
Genome position (GRCh38, 1-based): chr16:21,980,567, A>G. VCF-style: chr16-21980567-A-G. GRCh37 (hg19) VCF-style: chr16-21991888-A-G.
Other names: short protein forms Y382C.
Identifiers: ClinVar variation 5037087 (VCV005037087.1).
Genomic context (GRCh38, chr16:21,980,567, plus strand): 5'-CCTTGCTCTCTAAAACTGACTTCTGCCTTTTATTGGACAGGAACAAGCTGAAAGCTGGAT[A>G]CCTAATGTCAGTGGAGTCTTCTGAGTGTTTCCTGGAAGAAGTCGGGTCCCAGGCTCTAGT-3'
Protein context (NP_003357.2, residues 372-392): QAAKNKLKAG[Tyr382Cys]LMSVESSECF